The following is an entry in ClinVar:

NM_000278.5(PAX2):c.659G>A (p.Gly220Asp)

Gene: PAX2 (paired box 2; plus strand). Cytogenetic location: 10q24.31.
Variant type: single nucleotide variant.
Coding change: c.659G>A on transcript NM_000278.5 (MANE Select); coding-DNA position 659, G replaced by A.
Protein change: p.Gly220Asp; replaces glycine 220 with aspartic acid.
Molecular consequence: missense variant.
Genome position (GRCh38, 1-based): chr10:100,806,472, G>A. VCF-style: chr10-100806472-G-A. GRCh37 (hg19) VCF-style: chr10-102566229-G-A.
Other names: c.752G>A, p.Gly251Asp (NM_001304569.2); c.728G>A, p.Gly243Asp (NM_003987.5, NM_003990.5); c.659G>A, p.Gly220Asp (NM_003988.5, NM_003989.5); short protein forms G220D, G251D, G243D.
Identifiers: ClinVar variation 2123246 (VCV002123246.4), dbSNP rs2493149247, ClinGen allele CA378258940.

ClinVar aggregate classification (germline): Uncertain significance (1 of 4 stars; one submission).

Conditions:
Focal segmental glomerulosclerosis 7 (FSGS7). Identifiers: Orphanet 656, MedGen C4014925, MONDO:0014451, OMIM 616002.
Renal coloboma syndrome (PAPRS). Also called: PAPILLORENAL SYNDROME WITH MILD OCULAR ABNORMALITIES; CONGENITAL ANOMALIES OF THE KIDNEY AND URINARY TRACT WITH OR WITHOUT OCULAR ABNORMALITIES; CAKUT WITH OR WITHOUT OCULAR ABNORMALITIES; OPTIC COLOBOMA, VESICOURETERAL REFLUX, AND RENAL ANOMALIES; OPTIC NERVE COLOBOMA WITH RENAL DISEASE; RENAL-COLOBOMA SYNDROME WITH MACULAR ABNORMALITIES. Identifiers: Orphanet 1475, MedGen C1852759, MONDO:0007352, OMIM 120330.

Allele frequency attached by ClinVar (database versions not stated): gnomAD exomes below 0.00001.
gnomAD v4.1: 1 of 1,614,226 alleles (0.000062%); highest among the groups gnomAD compares: Non-Finnish European, 0.000085%; no homozygotes.

Submission:

Labcorp Genetics (formerly Invitae), Labcorp
Classification: Uncertain significance for Renal coloboma syndrome; Focal segmental glomerulosclerosis 7. Last evaluated: 2022-04-08. Review status: criteria provided, single submitter. Criteria: Invitae Variant Classification Sherloc (09022015). Collection method: clinical testing. Allele origin: germline.
Comment: In summary, the available evidence is currently insufficient to determine the role of this variant in disease. Therefore, it has been classified as a Variant of Uncertain Significance. Experimental studies and prediction algorithms are not available or were not evaluated, and the functional significance of this variant is currently unknown. This variant has not been reported in the literature in individuals affected with PAX2-related conditions. This variant is not present in population databases (gnomAD no frequency). This sequence change replaces glycine, which is neutral and non-polar, with aspartic acid, which is acidic and polar, at codon 220 of the PAX2 protein (p.Gly220Asp).